The following is an entry in ClinVar:

ClinVar aggregate classification (germline): Uncertain significance (1 of 4 stars; one submission).

Conditions:
Autosomal recessive congenital ichthyosis 4B (ARCI4B). Also called: ICHTHYOSIS CONGENITA, HARLEQUIN FETUS TYPE; Harlequin Fetus; Ichthyosis, congenital, autosomal recessive 4B (harlequin); HARLEQUIN ICHTHYOSIS. Identifiers: Orphanet 457, MedGen C0598226, MONDO:0009443, OMIM 242500.

Submission:

Clinical Genomics Laboratory, Washington University in St. Louis
Classification: Uncertain significance for Autosomal recessive congenital ichthyosis 4B. Last evaluated: 2025-06-27. Review status: criteria provided, single submitter. Criteria: ACMG Guidelines, 2015. Collection method: clinical testing. Allele origin: germline.
Comment: The ABCA12 c.5201C>T (p.Ser1701=) variant, to our knowledge, has not been reported in the medical literature. This variant is absent from the general population (gnomAD v2.1.1), indicating it is not a common variant. Computational predictors indicate that this variant would impact splicing, evidence that correlates to an impact of this variant ABCA12 function. Due to limited information, and based on ACMG/AMP guidelines for variant interpretation (Richards S et al., PMID: 25741868), the clinical significance of this variant is uncertain at this time.

NM_173076.3(ABCA12):c.5103C>T (p.Ser1701=)

Gene: ABCA12 (ATP binding cassette subfamily A member 12; minus strand). Cytogenetic location: 2q35.
Variant type: single nucleotide variant.
Coding change: c.5103C>T on transcript NM_173076.3 (MANE Select); coding-DNA position 5103, C replaced by T.
Protein change: p.Ser1701=; no amino-acid change (serine 1701 retained).
Molecular consequence: synonymous variant. On other transcripts: non-coding transcript variant (1).
Genome position (GRCh38, 1-based): chr2:214,978,341, G>A on the plus strand (C>T on the coding strand, the complement: ABCA12 is on the minus strand). VCF-style: chr2-214978341-G-A. GRCh37 (hg19) VCF-style: chr2-215843065-G-A.
Other names: c.4149C>T, p.Ser1383= (NM_015657.4).
Identifiers: ClinVar variation 4279823 (VCV004279823.1).